The following is an entry in ClinVar:

NM_001330.5(CTF1):c.466_486dup (p.Ala156_Ala162dup)

Genes: CTF1 (cardiotrophin 1; plus strand), LOC130058878 (ATAC-STARR-seq lymphoblastoid silent region 7400; plus strand). Cytogenetic location: 16p11.2.
Variant type: Duplication.
Coding change: c.466_486dup on transcript NM_001330.5 (MANE Select); coding-DNA positions 466 to 486, 21 bases duplicated (GCCGCCACCGCCTCAGCCGCC).
Protein change: p.Ala156_Ala162dup.
Molecular consequence: inframe insertion. On other transcripts: non-coding transcript variant (1).
Genome position (GRCh38, 1-based): chr16:30,902,399-30,902,419, GCCGCCACCGCCTCAGCCGCC duplicated; duplicating any 21 consecutive bases within chr16:30,902,397-30,902,419 gives the same sequence; the c. name uses the placement nearest the transcript's 3' end. VCF-style (leftmost placement, unchanged base first): chr16-30902396-C-CCCGCCGCCACCGCCTCAGCCG. GRCh37 (hg19) VCF-style: chr16-30913717-C-CCCGCCGCCACCGCCTCAGCCG.
Other names: c.463_483dup, p.Ala155_Ala161dup (NM_001142544.3).
Identifiers: ClinVar variation 544365 (VCV000544365.9), dbSNP rs1555485213, ClinGen allele CA658798590.

ClinVar aggregate classification (germline): Uncertain significance (1 of 4 stars; one submission).

Submission:

Labcorp Genetics (formerly Invitae), Labcorp
Classification: Uncertain significance. Last evaluated: 2017-09-28. Review status: criteria provided, single submitter. Criteria: Invitae Variant Classification Sherloc (09022015). Collection method: clinical testing. Allele origin: germline.
Comment: This variant, c.466_486dup, results in the insertion of 7 amino acids to the CTF1 protein (p.Ala156_Ala162dup), but otherwise preserves the integrity of the reading frame. While this variant is not present in population databases, the frequency information is unreliable, as metrics indicate poor data quality at this position in the ExAC database. This variant has not been reported in the literature in individuals with CTF1-related disease. Experimental studies and prediction algorithms are not available for this variant, and the functional significance of the duplicated amino acids is currently unknown. Algorithms developed to predict the effect of sequence changes on RNA splicing suggest that this variant may create or strengthen a splice site, but this prediction has not been confirmed by published transcriptional studies. In summary, the available evidence is currently insufficient to determine the role of this variant in disease. Therefore, it has been classified as a Variant of Uncertain Significance.